The following is an entry in ClinVar:

ClinVar aggregate classification (germline): Uncertain significance (1 of 4 stars; one submission).

Conditions:
Alstrom syndrome (ALMS). Identifiers: Orphanet 64, MedGen C0268425, MONDO:0008763, OMIM 203800.

Allele frequency attached by ClinVar (database versions not stated): gnomAD exomes below 0.00001.
gnomAD v4.1: 1 of 1,614,130 alleles (0.000062%); highest among the groups gnomAD compares: Admixed American, 0.0017%; no homozygotes.

Submission:

Labcorp Genetics (formerly Invitae), Labcorp
Classification: Uncertain significance for Alstrom syndrome. Last evaluated: 2022-04-12. Review status: criteria provided, single submitter. Criteria: Invitae Variant Classification Sherloc (09022015). Collection method: clinical testing. Allele origin: germline.
Comment: This variant has not been reported in the literature in individuals affected with ALMS1-related conditions. Experimental studies and prediction algorithms are not available or were not evaluated, and the functional significance of this variant is currently unknown. In summary, the available evidence is currently insufficient to determine the role of this variant in disease. Therefore, it has been classified as a Variant of Uncertain Significance. This variant is not present in population databases (gnomAD no frequency). This sequence change replaces valine, which is neutral and non-polar, with leucine, which is neutral and non-polar, at codon 2440 of the ALMS1 protein (p.Val2440Leu).

NM_001378454.1(ALMS1):c.7315G>C (p.Val2439Leu)

Gene: ALMS1 (ALMS1 centrosome and basal body associated protein; plus strand). Cytogenetic location: 2p13.1.
Variant type: single nucleotide variant.
Coding change: c.7315G>C on transcript NM_001378454.1 (MANE Select); coding-DNA position 7315, G replaced by C.
Protein change: p.Val2439Leu; replaces valine 2439 with leucine.
Molecular consequence: missense variant.
Genome position (GRCh38, 1-based): chr2:73,453,842, G>C. VCF-style: chr2-73453842-G-C. GRCh37 (hg19) VCF-style: chr2-73680969-G-C.
Other names: c.7318G>C, p.Val2440Leu (NM_015120.4); short protein forms V2439L, V2440L.
Identifiers: ClinVar variation 2125052 (VCV002125052.2), dbSNP rs2466112100, ClinGen allele CA347292167.